The following is an entry in ClinVar:

ClinVar aggregate classification (germline): Benign/Likely benign. Review status: criteria provided, multiple submitters, no conflicts (2 of 4 stars). 7 submissions from 7 submitters: Benign (3); Likely benign (2). 2 of the submissions do not count toward it. Last evaluated 2026-01-15.

Conditions:
Familial hyperaldosteronism type II. Also called: FH II. Identifiers: Orphanet 404, MedGen C1854107, MONDO:0011576, OMIM 605635.
Leukoencephalopathy with mild cerebellar ataxia and white matter edema (LKPAT). Also called: Leukoencephalopathy with white matter edema; Brain white matter edema; CLCN2-Related Leukoencephalopathy; Leukoencephalopathy with ataxia. Identifiers: Orphanet 363540, MedGen C4554120, MONDO:0014292, OMIM 615651. Disease mechanism: loss of function.
Epilepsy, idiopathic generalized, susceptibility to, 11 (EIG11). Identifiers: Orphanet 307, MedGen C2750893, MONDO:0011875, OMIM 607628.

Allele frequency attached by ClinVar (database versions not stated): gnomAD exomes 0.00152 and 0.00347; ExAC 0.00423; gnomAD 0.00980 and 0.01055; TOPMed 0.01128; 1000 Genomes Project 0.01238; ESP Exome Variant Server 0.01246; 1000 Genomes Project 30x 0.01312.
gnomAD v4.1: 3,846 of 1,613,310 alleles (0.24%); highest among the groups gnomAD compares: African/African-American, 3.2%; 46 homozygotes.

Submissions (7):

Labcorp Genetics (formerly Invitae), Labcorp
Classification: Benign. Last evaluated: 2026-01-15. Review status: criteria provided, single submitter. Criteria: Invitae Variant Classification Sherloc (09022015). Collection method: clinical testing. Allele origin: germline.

Mayo Clinic Laboratories, Mayo Clinic
Classification: Benign. Last evaluated: 2024-08-12. Review status: criteria provided, single submitter. Criteria: ACMG Guidelines, 2015. Collection method: clinical testing. Allele origin: germline. Observed: 2 variant alleles.
Comment: BS1, BS2, BP4, BP7

Fulgent Genetics
Classification: Benign for Familial hyperaldosteronism type II; Epilepsy, idiopathic generalized, susceptibility to, 11; Leukoencephalopathy with mild cerebellar ataxia and white matter edema. Last evaluated: 2021-10-02. Review status: criteria provided, single submitter. Criteria: ACMG Guidelines, 2015. Collection method: clinical testing. Allele origin: unknown.

Center for Pediatric Genomic Medicine, Children's Mercy Hospital and Clinics
Classification: Likely benign. Last evaluated: 2017-05-02. Review status: criteria provided, single submitter. Criteria: ACMG Guidelines, 2015. Collection method: clinical testing. Allele origin: germline.

Breakthrough Genomics
Classification: Likely benign. Review status: criteria provided, single submitter. Criteria: ACMG Guidelines, 2015. Collection method: not provided. Allele origin: germline. Inheritance: Autosomal recessive inheritance. Affected: yes.

Genome Diagnostics Laboratory, University Medical Center Utrecht
Classification: Benign. Review status: no assertion criteria provided. Collection method: clinical testing. Allele origin: germline. Affected: yes. Study: VKGL Data-share Consensus. Not counted in ClinVar's aggregate classification.

Laboratory of Diagnostic Genome Analysis, Leiden University Medical Center (LUMC)
Classification: Likely benign. Review status: no assertion criteria provided. Collection method: clinical testing. Allele origin: germline. Affected: yes. Study: VKGL Data-share Consensus. Not counted in ClinVar's aggregate classification.

NM_004366.6(CLCN2):c.2271+8T>G

Gene: CLCN2 (chloride voltage-gated channel 2; minus strand). Cytogenetic location: 3q27.1.
Variant type: single nucleotide variant.
Coding change: c.2271+8T>G on transcript NM_004366.6 (MANE Select); 8 bases into the intron after coding-DNA position 2271, T replaced by G.
Molecular consequence: intron variant.
Genome position (GRCh38, 1-based): chr3:184,352,435, A>C on the plus strand (T>G on the coding strand, the complement: CLCN2 is on the minus strand). VCF-style: chr3-184352435-A-C. GRCh37 (hg19) VCF-style: chr3-184070223-A-C.
Other names: p.?; c.2139+8T>G (NM_001171088.3); c.2220+8T>G (NM_001171087.3); c.2271+8T>G (NM_001171089.3).
Identifiers: ClinVar variation 445441 (VCV000445441.15), dbSNP rs114350071, ClinGen allele CA2733773.